The following is an entry in ClinVar:

ClinVar aggregate classification (germline): Uncertain significance. Review status: criteria provided, multiple submitters, no conflicts (2 of 4 stars). 2 submissions from 2 submitters: Uncertain significance (2). Last evaluated 2025-12-29.

Conditions:
Left ventricular noncompaction 1 (LVNC1). Also called: LEFT VENTRICULAR NONCOMPACTION 1 WITH OR WITHOUT CONGENITAL HEART DEFECTS. Identifiers: Orphanet 54260, MedGen C1858725, MONDO:0011403, OMIM 604169.

gnomAD v4.1: 7 of 1,612,120 alleles (0.00043%); highest among the groups gnomAD compares: African/African-American, 0.004%; no homozygotes.

Submissions (2):

Labcorp Genetics (formerly Invitae), Labcorp
Classification: Uncertain significance for Left ventricular noncompaction 1. Last evaluated: 2025-12-29. Review status: criteria provided, single submitter. Criteria: Invitae Variant Classification Sherloc (09022015). Collection method: clinical testing. Allele origin: germline.
Comment: This sequence change replaces arginine, which is basic and polar, with glutamine, which is neutral and polar, at codon 539 of the DTNA protein (p.Arg539Gln). This variant is present in population databases (no rsID available, gnomAD 0.03%). This variant has not been reported in the literature in individuals affected with DTNA-related conditions. ClinVar contains an entry for this variant (Variation ID: 4245229). An algorithm developed to predict the effect of missense changes on protein structure and function (PolyPhen-2) suggests that this variant is likely to be disruptive. In summary, the available evidence is currently insufficient to determine the role of this variant in disease. Therefore, it has been classified as a Variant of Uncertain Significance.

Ambry Genetics
Classification: Uncertain significance. Last evaluated: 2025-08-14. Review status: criteria provided, single submitter. Criteria: Ambry Variant Classification Scheme 2023. Collection method: clinical testing. Allele origin: germline.

NM_001386795.1(DTNA):c.1697G>A (p.Arg566Gln)

Gene: DTNA (dystrobrevin alpha; plus strand). Cytogenetic location: 18q12.1.
Variant type: single nucleotide variant.
Coding change: c.1697G>A on transcript NM_001386795.1 (MANE Select); coding-DNA position 1697, G replaced by A.
Protein change: p.Arg566Gln; replaces arginine 566 with glutamine.
Molecular consequence: missense variant.
Genome position (GRCh38, 1-based): chr18:34,864,016, G>A. VCF-style: chr18-34864016-G-A. GRCh37 (hg19) VCF-style: chr18-32443980-G-A.
Other names: c.1436G>A, p.Arg479Gln (NM_001198938.2, NM_001198939.2, NM_001198940.2 and 9 more transcripts); c.743G>A, p.Arg248Gln (NM_001198942.1); c.686G>A, p.Arg229Gln (NM_001198943.1); c.572G>A, p.Arg191Gln (NM_001198944.1); c.866G>A, p.Arg289Gln (NM_001198945.2); c.1526G>A, p.Arg509Gln (NM_001386754.1, NM_001386755.1, NM_001386756.1 and 4 more transcripts); c.1523G>A, p.Arg508Gln (NM_001386760.1); c.1445G>A, p.Arg482Gln (NM_001386761.1, NM_032975.4, NM_032979.5); and 7 more; short protein forms R187Q, R478Q, R161Q, R479Q, R508Q, R566Q, R191Q, R229Q.
Identifiers: ClinVar variation 4245229 (VCV004245229.2).